The following is an entry in ClinVar:

NM_001621.5(AHR):c.1042A>G (p.Met348Val)

Gene: AHR (aryl hydrocarbon receptor; plus strand). Cytogenetic location: 7p21.1.
Variant type: single nucleotide variant.
Coding change: c.1042A>G on transcript NM_001621.5 (MANE Select); coding-DNA position 1042, A replaced by G.
Protein change: p.Met348Val; replaces methionine 348 with valine.
Molecular consequence: missense variant.
Genome position (GRCh38, 1-based): chr7:17,335,668, A>G. VCF-style: chr7-17335668-A-G. GRCh37 (hg19) VCF-style: chr7-17375292-A-G.
Other names: short protein forms M348V.
Identifiers: ClinVar variation 1052573 (VCV001052573.7), dbSNP rs778953981, ClinGen allele CA4172007.

ClinVar aggregate classification (germline): Uncertain significance (1 of 4 stars; one submission).

Allele frequency attached by ClinVar (database versions not stated): gnomAD exomes 0.00002 and 0.00006; ExAC 0.00012.
gnomAD v4.1: 34 of 1,580,740 alleles (0.0022%); highest among the groups gnomAD compares: South Asian, 0.028%; no homozygotes.

Submission:

Labcorp Genetics (formerly Invitae), Labcorp
Classification: Uncertain significance. Last evaluated: 2022-05-31. Review status: criteria provided, single submitter. Criteria: Invitae Variant Classification Sherloc (09022015). Collection method: clinical testing. Allele origin: germline.
Comment: This sequence change replaces methionine, which is neutral and non-polar, with valine, which is neutral and non-polar, at codon 348 of the AHR protein (p.Met348Val). This variant is present in population databases (rs778953981, gnomAD 0.03%). This variant has not been reported in the literature in individuals affected with AHR-related conditions. ClinVar contains an entry for this variant (Variation ID: 1052573). Algorithms developed to predict the effect of missense changes on protein structure and function are either unavailable or do not agree on the potential impact of this missense change (SIFT: "Deleterious"; PolyPhen-2: "Benign"; Align-GVGD: "Class C0"). In summary, the available evidence is currently insufficient to determine the role of this variant in disease. Therefore, it has been classified as a Variant of Uncertain Significance.